The following is an entry in ClinVar:

ClinVar aggregate classification (germline): Uncertain significance. Review status: criteria provided, multiple submitters, no conflicts (2 of 4 stars). 5 submissions from 5 submitters: Uncertain significance (5). Last evaluated 2024-11-15.

Conditions:
Familial thoracic aortic aneurysm and aortic dissection (TAAD). Also called: Thoracic aortic aneurysms and dissections. Identifiers: Orphanet 91387, MedGen C4707243, MONDO:0019625.
Loeys-Dietz syndrome 2 (LDS2). Also called: Marfan syndrome, type 2 (formerly); TGFBR2-Related Loeys-Dietz Syndrome; AORTIC ANEURYSM, FAMILIAL THORACIC 3; MARFAN SYNDROME, TYPE II; Marfan Syndrome type 2; Marfan like connective tissue disorder. Identifiers: Orphanet 284973, Orphanet 558, MedGen C2674574, MONDO:0012427, OMIM 610168.

Submissions (5):

Labcorp Genetics (formerly Invitae), Labcorp
Classification: Uncertain significance for Familial thoracic aortic aneurysm and aortic dissection. Last evaluated: 2024-11-15. Review status: criteria provided, single submitter. Criteria: Invitae Variant Classification Sherloc (09022015). Collection method: clinical testing. Allele origin: germline.
Comment: This sequence change replaces cysteine, which is neutral and slightly polar, with tyrosine, which is neutral and polar, at codon 61 of the TGFBR2 protein (p.Cys61Tyr). This variant is not present in population databases (gnomAD no frequency). This variant has not been reported in the literature in individuals affected with TGFBR2-related conditions. ClinVar contains an entry for this variant (Variation ID: 1312557). Invitae Evidence Modeling of protein sequence and biophysical properties (such as structural, functional, and spatial information, amino acid conservation, physicochemical variation, residue mobility, and thermodynamic stability) indicates that this missense variant is expected to disrupt TGFBR2 protein function with a positive predictive value of 95%. In summary, the available evidence is currently insufficient to determine the role of this variant in disease. Therefore, it has been classified as a Variant of Uncertain Significance.

All of Us Research Program, National Institutes of Health
Classification: Uncertain significance for Loeys-Dietz syndrome 2. Last evaluated: 2024-04-25. Review status: criteria provided, single submitter. Criteria: ACMG Guidelines, 2015. Collection method: clinical testing. Allele origin: germline. Inheritance: Autosomal dominant inheritance. Observed: 1 variant allele, 1 heterozygote.
Comment: This missense variant replaces cysteine with tyrosine at codon 61 of the TGFBR2 protein. Computational prediction suggests that this variant may have deleterious impact on protein structure and function (internally defined REVEL score threshold >= 0.7, PMID: 27666373). To our knowledge, functional studies have not been reported for this variant. This variant has not been reported in individuals affected with TGFBR2-related disorders in the literature. This variant has not been identified in the general population by the Genome Aggregation Database (gnomAD). The available evidence is insufficient to determine the role of this variant in disease conclusively. Therefore, this variant is classified as a Variant of Uncertain Significance.

This study involves interpretation of variants in research participants for the purpose of population health screening. Participant phenotype was not available at the time of variant classification. Additional details can be found in publication PMID: 35346344, PMCID: PMC8962531

Color Diagnostics, LLC DBA Color Health
Classification: Uncertain significance for Familial thoracic aortic aneurysm and aortic dissection. Last evaluated: 2024-04-10. Review status: criteria provided, single submitter. Criteria: ACMG Guidelines, 2015. Collection method: clinical testing. Allele origin: germline.
Comment: This missense variant replaces cysteine with tyrosine at codon 61 of the TGFBR2 protein. Computational prediction suggests that this variant may have deleterious impact on protein structure and function (internally defined REVEL score threshold >= 0.7, PMID: 27666373). To our knowledge, functional studies have not been reported for this variant. This variant has not been reported in individuals affected with TGFBR2-related disorders in the literature. This variant has not been identified in the general population by the Genome Aggregation Database (gnomAD). The available evidence is insufficient to determine the role of this variant in disease conclusively. Therefore, this variant is classified as a Variant of Uncertain Significance.

GeneDx
Classification: Uncertain significance. Last evaluated: 2023-10-16. Review status: criteria provided, single submitter. Criteria: GeneDx Variant Classification Process June 2021. Collection method: clinical testing. Allele origin: germline. Affected: yes.
Comment: Has not been previously published as pathogenic or benign to our knowledge; Not observed at significant frequency in large population cohorts (gnomAD); In silico analysis supports that this missense variant has a deleterious effect on protein structure/function

Ambry Genetics
Classification: Uncertain significance for Familial thoracic aortic aneurysm and aortic dissection. Last evaluated: 2019-03-04. Review status: criteria provided, single submitter. Criteria: Ambry Variant Classification Scheme 2023. Collection method: clinical testing. Allele origin: germline.
Comment: The p.C61Y variant (also known as c.182G>A), located in coding exon 2 of the TGFBR2 gene, results from a G to A substitution at nucleotide position 182. The cysteine at codon 61 is replaced by tyrosine, an amino acid with highly dissimilar properties. This amino acid position is highly conserved in available vertebrate species. In addition, this alteration is predicted to be deleterious by in silico analysis. Since supporting evidence is limited at this time, the clinical significance of this variant remains unclear.

NM_003242.6(TGFBR2):c.182G>A (p.Cys61Tyr)

Gene: TGFBR2 (transforming growth factor beta receptor 2; plus strand). Cytogenetic location: 3p24.1.
Variant type: single nucleotide variant.
Coding change: c.182G>A on transcript NM_003242.6 (MANE Select); coding-DNA position 182, G replaced by A.
Protein change: p.Cys61Tyr; replaces cysteine 61 with tyrosine.
Molecular consequence: missense variant.
Genome position (GRCh38, 1-based): chr3:30,644,834, G>A. VCF-style: chr3-30644834-G-A. GRCh37 (hg19) VCF-style: chr3-30686326-G-A.
Other names: c.257G>A, p.Cys86Tyr (NM_001024847.3, NM_001407126.1, NM_001407139.1); c.182G>A, p.Cys61Tyr (NM_001407127.1, NM_001407130.1); c.209G>A, p.Cys70Tyr (NM_001407128.1); c.77G>A, p.Cys26Tyr (NM_001407129.1, NM_001407132.1, NM_001407133.1 and 3 more transcripts); short protein forms C61Y, C86Y, C70Y, C26Y.
Identifiers: ClinVar variation 1312557 (VCV001312557.14), dbSNP rs2125404783, ClinGen allele CA351806483.